The following is an entry in ClinVar:

NM_004369.4(COL6A3):c.8243C>T (p.Pro2748Leu)

Gene: COL6A3 (collagen type VI alpha 3 chain; minus strand). Cytogenetic location: 2q37.3.
Variant type: single nucleotide variant.
Coding change: c.8243C>T on transcript NM_004369.4 (MANE Select); coding-DNA position 8243, C replaced by T.
Protein change: p.Pro2748Leu; replaces proline 2748 with leucine.
Molecular consequence: missense variant.
Genome position (GRCh38, 1-based): chr2:237,340,673, G>A on the plus strand (C>T on the coding strand, the complement: COL6A3 is on the minus strand). VCF-style: chr2-237340673-G-A. GRCh37 (hg19) VCF-style: chr2-238249316-G-A.
Other names: c.6422C>T, p.Pro2141Leu (NM_057166.5); c.7625C>T, p.Pro2542Leu (NM_057167.4); short protein forms P2748L, P2141L, P2542L.
Identifiers: ClinVar variation 285058 (VCV000285058.22), dbSNP rs115595706, ClinGen allele CA2187592.

ClinVar aggregate classification (germline): Conflicting classifications of pathogenicity. Review status: criteria provided, conflicting classifications (1 of 4 stars). 5 submissions from 5 submitters: Uncertain significance (3); Likely benign (2). Last evaluated 2026-07-01.

Conditions:
Collagen 6-related myopathy. Identifiers: MedGen CN117976, MONDO:0100225.
Bethlem myopathy 1A. Also called: Bethlem Muscular Dystrophy; MYOPATHY, BENIGN CONGENITAL, WITH CONTRACTURES; Bethlem myopathy 1. Identifiers: Orphanet 610, MedGen CN029274, MONDO:0024530, OMIM 158810.

Allele frequency attached by ClinVar (database versions not stated): gnomAD exomes 0.00016; ExAC 0.00020; gnomAD 0.00028 and 0.00031; TOPMed 0.00029; 1000 Genomes Project 0.00040; 1000 Genomes Project 30x 0.00047.
gnomAD v4.1: 279 of 1,614,124 alleles (0.017%); highest among the groups gnomAD compares: African/African-American, 0.039%; 1 homozygote.

Submissions (5):

CeGaT Center for Human Genetics Tuebingen
Classification: Uncertain significance. Last evaluated: 2026-07-01. Review status: criteria provided, single submitter. Criteria: CeGaT Center For Human Genetics Tuebingen Variant Classification Criteria Version 2. Collection method: clinical testing. Allele origin: germline. Affected: yes. Observed: 2 variant alleles.
Comment: COL6A3: PM2:Supporting, BP4

Labcorp Genetics (formerly Invitae), Labcorp
Classification: Likely benign for Bethlem myopathy 1A. Last evaluated: 2025-09-02. Review status: criteria provided, single submitter. Criteria: Invitae Variant Classification Sherloc (09022015). Collection method: clinical testing. Allele origin: germline.

Revvity Omics, Revvity
Classification: Uncertain significance. Last evaluated: 2025-06-12. Review status: criteria provided, single submitter. Criteria: ACMG Guidelines, 2015. Collection method: clinical testing. Allele origin: germline.

Illumina Laboratory Services, Illumina
Classification: Likely benign for Collagen VI-related myopathy. Last evaluated: 2018-01-12. Review status: criteria provided, single submitter. Criteria: ICSL Variant Classification Criteria 13 December 2019. Collection method: clinical testing. Allele origin: germline.
Comment: This variant was observed in the ICSL laboratory as part of a predisposition screen in an ostensibly healthy population. It had not been previously curated by ICSL or reported in the Human Gene Mutation Database (HGMD: prior to June 1st, 2018), and was therefore a candidate for classification through an automated scoring system. Utilizing variant allele frequency, disease prevalence and penetrance estimates, and inheritance mode, an automated score was calculated to assess if this variant is too frequent to cause the disease. Based on the score and internal cut-off values, a variant classified as likely benign is not then subjected to further curation. The score for this variant resulted in a classification of likely benign for this disease.

Eurofins Ntd Llc (ga)
Classification: Uncertain significance. Last evaluated: 2016-12-28. Review status: criteria provided, single submitter. Criteria: EGL Classification Definitions 2015. Collection method: clinical testing. Allele origin: germline. Observed: 7 variant alleles, 7 heterozygotes.